The following is an entry in ClinVar:

ClinVar aggregate classification (germline): Likely pathogenic (1 of 4 stars; one submission).

Conditions:
Fabry disease. Also called: Fabry's disease; Ceramide trihexosidosis; Angiokeratoma corporis diffusum; ALPHA-GALACTOSIDASE A DEFICIENCY; ANDERSON-FABRY DISEASE; CERAMIDE TRIHEXOSIDASE DEFICIENCY. Identifiers: Orphanet 324, MedGen C0002986, MONDO:0010526, OMIM 301500, HP:0001071. Disease mechanism: Fabry disease is due to inactivating mutations in the X-linked GLA gene resulting in deficiency of the enzyme Alpha Galactosidase-A., loss of function.

Submission:

3billion
Classification: Likely pathogenic for Fabry disease. Last evaluated: 2021-10-28. Review status: criteria provided, single submitter. Criteria: ACMG Guidelines, 2015. Collection method: clinical testing. Allele origin: germline. Affected: yes. Observed: 1 heterozygote.
Comment: Frameshift: predicted to result in a loss or disruption of normal protein function through nonsense-mediated decay (NMD) or protein truncation. Multiple pathogenic variants are reported downstream of the variant.The variant is not observed in the gnomAD v2.1.1 dataset. Therefore, this variant is classified as likely pathogenic according to the recommendation of ACMG/AMP guideline.

NM_000169.3(GLA):c.135_142del (p.His46fs)

Genes: GLA (galactosidase alpha; minus strand), RPL36A-HNRNPH2 (RPL36A-HNRNPH2 readthrough; plus strand). Cytogenetic location: Xq22.1.
Variant type: Deletion.
Coding change: c.135_142del on transcript NM_000169.3 (MANE Select); coding-DNA positions 135 to 142, 8 bases deleted (GCACTGGG; older notation c.135_142delGCACTGGG).
Protein change: p.His46fs; shifts the reading frame from histidine 46.
Molecular consequence: frameshift variant. On other transcripts: non-coding transcript variant (3), intron variant (2).
Genome position (GRCh38, 1-based): chrX:101,407,762-101,407,769, CCCAGTGC deleted on the plus strand (GCACTGGG on the coding strand, the reverse complement: GLA is on the minus strand). VCF-style (leftmost placement, unchanged base first): chrX-101407761-TCCCAGTGC-T. GRCh37 (hg19) VCF-style: chrX-100662749-TCCCAGTGC-T.
Other names: c.135_142del, p.His46fs (NM_001406747.1, NM_001406748.1, NM_001406749.1); c.301-4174_301-4167del (NM_001199973.2); c.178-4174_178-4167del (NM_001199974.2); short protein forms H46fs.
Identifiers: ClinVar variation 1308628 (VCV001308628.1), dbSNP rs2147487148, ClinGen allele CA2573055058.